The following is an entry in ClinVar:

NC_012920.1(MT-ATP6):m.8648G>A

Gene: MT-ATP6 (mitochondrially encoded ATP synthase 6; plus strand).
Variant type: single nucleotide variant.
Genome position: chrM-8648-G-A.
Identifiers: ClinVar variation 692940 (VCV000692940.1), dbSNP rs28479867, ClinGen allele CA337097956.

ClinVar aggregate classification (germline): Likely benign (1 of 4 stars; one submission).

Conditions:
Leigh syndrome (NULS). Also called: Leigh's necrotizing encephalopathy; Leigh's disease; Leigh Syndrome (mtDNA deletion); Leigh Disease; Subacute necrotizing encephalopathy; Necrotizing encephalopathy infantile subacute of Leigh. Identifiers: Orphanet 506, MedGen C2931891, MONDO:0009723, OMIM 256000.

Submission:

Wong Mito Lab, Molecular and Human Genetics, Baylor College of Medicine
Classification: Likely benign for Leigh syndrome. Last evaluated: 2019-10-17. Review status: criteria provided, single submitter. Criteria: Modified ACMG Guidelines (Unpublished). Collection method: clinical testing. Allele origin: germline.
Comment: The NC_012920.1:m.8648G>A (YP_003024031.1:p.Arg41Gln) variant in MTATP6 gene is interpretated to be a Likely Benign variant based on the modified ACMG guidelines (unpublished). This variant meets the following evidence codes: BS1, BP6